The following is an entry in ClinVar:

NC_000015.10:g.84817069C>T

Gene: ALPK3 (alpha kinase 3; plus strand). Cytogenetic location: 15q25.3.
Variant type: single nucleotide variant.
Genome position: GRCh38 VCF-style: chr15-84817069-C-T. GRCh37 (hg19) VCF-style: chr15-85360300-C-T.
Other names: short protein forms P75S.
Identifiers: ClinVar variation 1788251 (VCV001788251.5), dbSNP rs149818266, ClinGen allele CA7708819.

ClinVar aggregate classification (germline): Uncertain significance. Review status: criteria provided, multiple submitters, no conflicts (2 of 4 stars). 2 submissions from 2 submitters: Uncertain significance (2). Last evaluated 2026-01-07.

Conditions:
Cardiovascular phenotype. Identifiers: MedGen CN230736.

Allele frequency attached by ClinVar (database versions not stated): gnomAD 0.00001; ExAC 0.00003; 1000 Genomes Project 30x 0.00016; 1000 Genomes Project 0.00020.

Submissions (2):

Labcorp Genetics (formerly Invitae), Labcorp
Classification: Uncertain significance. Last evaluated: 2026-01-07. Review status: criteria provided, single submitter. Criteria: Invitae Variant Classification Sherloc (09022015). Collection method: clinical testing. Allele origin: germline.
Comment: This sequence change replaces proline, which is neutral and non-polar, with serine, which is neutral and polar, at codon 75 of the ALPK3 protein (p.Pro75Ser). The frequency data for this variant in the population databases is considered unreliable, as metrics indicate poor data quality at this position in the gnomAD database. This variant has not been reported in the literature in individuals affected with ALPK3-related conditions. ClinVar contains an entry for this variant (Variation ID: 1788251). An algorithm developed to predict the effect of missense changes on protein structure and function (PolyPhen-2) suggests that this variant is likely to be disruptive. In summary, the available evidence is currently insufficient to determine the role of this variant in disease. Therefore, it has been classified as a Variant of Uncertain Significance.

Ambry Genetics
Classification: Uncertain significance for Cardiovascular phenotype. Last evaluated: 2019-10-04. Review status: criteria provided, single submitter. Criteria: Ambry Variant Classification Scheme 2023. Collection method: clinical testing. Allele origin: germline.
Comment: The p.P75S variant (also known as c.223C>T), located in coding exon 1 of the ALPK3 gene, results from a C to T substitution at nucleotide position 223. The proline at codon 75 is replaced by serine, an amino acid with similar properties. This amino acid position is poorly conserved in available vertebrate species. In addition, this alteration is predicted to be tolerated by in silico analysis. Since supporting evidence is limited at this time, the clinical significance of this alteration remains unclear.